The following is an entry in ClinVar:

ClinVar aggregate classification (germline): Uncertain significance (1 of 4 stars; one submission).

Submissions (2):

Labcorp Genetics (formerly Invitae), Labcorp
Classification: Uncertain significance. Last evaluated: 2025-09-23. Review status: criteria provided, single submitter. Criteria: Invitae Variant Classification Sherloc (09022015). Collection method: clinical testing. Allele origin: germline.
Comment: This sequence change falls in intron 7 of the MID1 gene. It does not directly change the encoded amino acid sequence of the MID1 protein. It affects a nucleotide within the consensus splice site. This variant is not present in population databases (gnomAD no frequency). This variant has been observed in individual(s) with clinical features of MID1-related conditions (internal data). Variants that disrupt the consensus splice site are a relatively common cause of aberrant splicing (PMID: 17576681, 9536098). Algorithms developed to predict the effect of sequence changes on RNA splicing suggest that this variant may disrupt the consensus splice site. In summary, the available evidence is currently insufficient to determine the role of this variant in disease. Therefore, it has been classified as a Variant of Uncertain Significance.

Dr. Peter K. Rogan Lab, Western University
No classification provided (evidence only). Condition: Thyroid cancer, nonmedullary, 1. Review status: no classification provided. Collection method: in vitro. Allele origin: not applicable. Functional consequence: retained intron. Not counted in ClinVar's aggregate classification.

Literature cited by the submitters: PubMed 17576681 (cited by Labcorp Genetics (formerly Invitae), Labcorp); PubMed 9536098 (cited by Labcorp Genetics (formerly Invitae), Labcorp).

NM_000381.4(MID1):c.1285+5G>A

Gene: MID1 (midline 1; minus strand). Cytogenetic location: Xp22.2.
Variant type: single nucleotide variant.
Coding change: c.1285+5G>A on transcript NM_000381.4 (MANE Select); 5 bases into the intron after coding-DNA position 1285, G replaced by A.
Molecular consequence: intron variant. On other transcripts: synonymous variant (3).
Genome position (GRCh38, 1-based): chrX:10,469,692, C>T on the plus strand (G>A on the coding strand, the complement: MID1 is on the minus strand). VCF-style: chrX-10469692-C-T. GRCh37 (hg19) VCF-style: chrX-10437732-C-T.
Other names: NC_000023.10:g.10437732C>T; c.1443G>A, p.Glu481= (NM_001193278.1); c.1290G>A, p.Glu430= (NM_001193279.1); c.1176G>A, p.Glu392= (NM_001193280.1); c.1285+5G>A (NM_033290.4, NM_001098624.2, NM_001347733.2 and 1 more transcripts); c.1171+5G>A (NM_033289.2).
Identifiers: ClinVar variation 4462029 (VCV004462029.2).